The following is an entry in ClinVar:

NM_003079.5(SMARCE1):c.467A>G (p.Glu156Gly)

Gene: SMARCE1 (SWI/SNF related BAF chromatin remodeling complex subunit E1; minus strand). Cytogenetic location: 17q21.2.
Variant type: single nucleotide variant.
Coding change: c.467A>G on transcript NM_003079.5 (MANE Select); coding-DNA position 467, A replaced by G.
Protein change: p.Glu156Gly; replaces glutamic acid 156 with glycine.
Molecular consequence: missense variant.
Genome position (GRCh38, 1-based): chr17:40,636,005, T>C on the plus strand (A>G on the coding strand, the complement: SMARCE1 is on the minus strand). VCF-style: chr17-40636005-T-C. GRCh37 (hg19) VCF-style: chr17-38792257-T-C.
Other names: short protein forms E156G.
Identifiers: ClinVar variation 2714585 (VCV002714585.3), dbSNP rs2508603626, ClinGen allele CA399366450.

ClinVar aggregate classification (germline): Uncertain significance (1 of 4 stars; one submission).

Conditions:
Familial meningioma. Also called: Meningioma, familial, susceptibility to. Identifiers: Orphanet 263662, MedGen C3551915, MONDO:0011789, OMIM 607174.

Submission:

Labcorp Genetics (formerly Invitae), Labcorp
Classification: Uncertain significance for Familial meningioma. Last evaluated: 2024-01-31. Review status: criteria provided, single submitter. Criteria: Invitae Variant Classification Sherloc (09022015). Collection method: clinical testing. Allele origin: germline.
Comment: This sequence change replaces glutamic acid, which is acidic and polar, with glycine, which is neutral and non-polar, at codon 156 of the SMARCE1 protein (p.Glu156Gly). This variant is not present in population databases (gnomAD no frequency). This variant has not been reported in the literature in individuals affected with SMARCE1-related conditions. Advanced modeling of protein sequence and biophysical properties (such as structural, functional, and spatial information, amino acid conservation, physicochemical variation, residue mobility, and thermodynamic stability) has been performed at Invitae for this missense variant, however the output from this modeling did not meet the statistical confidence thresholds required to predict the impact of this variant on SMARCE1 protein function. In summary, the available evidence is currently insufficient to determine the role of this variant in disease. Therefore, it has been classified as a Variant of Uncertain Significance.